The following is an entry in ClinVar:

ClinVar aggregate classification (germline): Likely pathogenic (1 of 4 stars; one submission).

Conditions:
Finnish congenital nephrotic syndrome (NPHS1). Also called: NEPHROTIC SYNDROME, TYPE 1. Identifiers: Orphanet 839, MedGen C0403399, MONDO:0009732, OMIM 256300.

Submission:

Myriad Genetics, Inc.
Classification: Likely pathogenic for Finnish congenital nephrotic syndrome. Last evaluated: 2022-02-25. Review status: criteria provided, single submitter. Criteria: Myriad Women's Health Autosomal Recessive and X-Linked Classification Criteria (2021). Collection method: clinical testing. Allele origin: unknown.
Comment: NM_004646.3(NPHS1):c.71T>A(L24*) is expected to be pathogenic in the context of nephrotic syndrome, NPHS1-related. This variant is predicted to lead to an abnormal or absent protein product due to the creation of a premature termination codon in NPHS1, a gene where loss-of-function variants are known to be pathogenic. Please note: this variant was assessed in the context of healthy population screening.

NM_004646.4(NPHS1):c.71T>A (p.Leu24Ter)

Genes: KIRREL2 (kirre like nephrin family adhesion molecule 2; plus strand), NPHS1 (NPHS1 adhesion molecule, nephrin; minus strand). Cytogenetic location: 19q13.12.
Variant type: single nucleotide variant.
Coding change: c.71T>A on transcript NM_004646.4 (MANE Select); coding-DNA position 71, T replaced by A.
Protein change: p.Leu24Ter; replaces leucine 24 with a stop codon.
Molecular consequence: nonsense.
Genome position (GRCh38, 1-based): chr19:35,851,660, A>T on the plus strand (T>A on the coding strand, the complement: NPHS1 is on the minus strand). VCF-style: chr19-35851660-A-T. GRCh37 (hg19) VCF-style: chr19-36342562-A-T.
Other names: short protein forms L24*.
Identifiers: ClinVar variation 1726198 (VCV001726198.2), dbSNP rs2513786480, ClinGen allele CA405412453.